The following is an entry in ClinVar:

NM_005475.3(SH2B3):c.513G>C (p.Glu171Asp)

Gene: SH2B3 (SH2B adaptor protein 3; plus strand). Cytogenetic location: 12q24.12.
Variant type: single nucleotide variant.
Coding change: c.513G>C on transcript NM_005475.3 (MANE Select); coding-DNA position 513, G replaced by C.
Protein change: p.Glu171Asp; replaces glutamic acid 171 with aspartic acid.
Molecular consequence: missense variant.
Genome position (GRCh38, 1-based): chr12:111,418,658, G>C. VCF-style: chr12-111418658-G-C. GRCh37 (hg19) VCF-style: chr12-111856462-G-C.
Other names: short protein forms E171D.
Identifiers: ClinVar variation 3440801 (VCV003440801.1).

ClinVar aggregate classification (germline): Uncertain significance (1 of 4 stars; one submission).

Conditions:
Inborn genetic diseases. Identifiers: MedGen C0950123, MeSH D030342.

gnomAD v4.1: 3 of 1,486,134 alleles (0.0002%); no homozygotes.

Submission:

Ambry Genetics
Classification: Uncertain significance for Inborn genetic diseases. Last evaluated: 2024-11-28. Review status: criteria provided, single submitter. Criteria: Ambry Variant Classification Scheme 2023. Collection method: clinical testing. Allele origin: germline.
Comment: The p.E171D variant (also known as c.513G>C), located in coding exon 1 of the SH2B3 gene, results from a G to C substitution at nucleotide position 513. The glutamic acid at codon 171 is replaced by aspartic acid, an amino acid with highly similar properties. This amino acid position is conserved. In addition, this alteration is predicted to be tolerated by in silico analysis. Based on the available evidence, the clinical significance of this variant remains unclear.